The following is an entry in ClinVar:

ClinVar aggregate classification (germline): Uncertain significance. Review status: criteria provided, multiple submitters, no conflicts (2 of 4 stars). 3 submissions from 3 submitters: Uncertain significance (2). 1 of the submissions does not count toward it. Last evaluated 2022-07-26.

Conditions:
Glycine encephalopathy. Also called: Nonketotic hyperglycinemia; Non-ketotic hyperglycinemia. Identifiers: Orphanet 407, MedGen C0751748, MONDO:0011612, HP:0008288.

Allele frequency attached by ClinVar (database versions not stated): gnomAD exomes 0.00001 and 0.00002; ExAC 0.00002; gnomAD 0.00003 and 0.00004; TOPMed 0.00004.

Submissions (3):

Labcorp Genetics (formerly Invitae), Labcorp
Classification: Uncertain significance for Glycine encephalopathy. Last evaluated: 2022-07-26. Review status: criteria provided, single submitter. Criteria: Invitae Variant Classification Sherloc (09022015). Collection method: clinical testing. Allele origin: germline.
Comment: This sequence change replaces serine, which is neutral and polar, with leucine, which is neutral and non-polar, at codon 68 of the AMT protein (p.Ser68Leu). This variant is present in population databases (rs759015013, gnomAD 0.01%). This variant has not been reported in the literature in individuals affected with AMT-related conditions. ClinVar contains an entry for this variant (Variation ID: 388540). Algorithms developed to predict the effect of missense changes on protein structure and function are either unavailable or do not agree on the potential impact of this missense change (SIFT: "Deleterious"; PolyPhen-2: "Possibly Damaging"; Align-GVGD: "Class C0"). In summary, the available evidence is currently insufficient to determine the role of this variant in disease. Therefore, it has been classified as a Variant of Uncertain Significance.

GeneDx
Classification: Uncertain significance. Last evaluated: 2016-08-18. Review status: criteria provided, single submitter. Criteria: GeneDx Variant Classification (06012015). Collection method: clinical testing. Allele origin: germline. Affected: yes.
Comment: The S68L variant in the AMT gene has not been reported previously as a pathogenic variant, nor as a benign variant, to our knowledge. The S68L variant was not observed in approximately 6,500 individuals of European and African American ancestry in the NHLBI Exome Sequencing Project, indicating it is not a common benign variant in these populations. The S68L variant is a non-conservative amino acid substitution, which is likely to impact secondary protein structure as these residues differ in polarity, charge, size and/or other properties. This substitution occurs at a position that is conserved across species. In silico analysis predicts this variant is probably damaging to the protein structure/function. We interpret S68L as a variant of uncertain significance.

Natera, Inc.
Classification: Uncertain significance for Non-ketotic hyperglycinemia. Last evaluated: 2019-10-28. Review status: no assertion criteria provided. Collection method: clinical testing. Allele origin: germline. Not counted in ClinVar's aggregate classification.

NM_000481.4(AMT):c.203C>T (p.Ser68Leu)

Gene: AMT (aminomethyltransferase; minus strand). Cytogenetic location: 3p21.31.
Variant type: single nucleotide variant.
Coding change: c.203C>T on transcript NM_000481.4 (MANE Select); coding-DNA position 203, C replaced by T.
Protein change: p.Ser68Leu; replaces serine 68 with leucine.
Molecular consequence: missense variant. On other transcripts: non-coding transcript variant (1), intron variant (1).
Genome position (GRCh38, 1-based): chr3:49,422,159, G>A on the plus strand (C>T on the coding strand, the complement: AMT is on the minus strand). VCF-style: chr3-49422159-G-A. GRCh37 (hg19) VCF-style: chr3-49459592-G-A.
Other names: c.203C>T, p.Ser68Leu (NM_001164710.2, NM_001164712.2); c.90+202C>T (NM_001164711.2); short protein forms S68L.
Identifiers: ClinVar variation 388540 (VCV000388540.5), dbSNP rs759015013, ClinGen allele CA2398448.